The following is an entry in ClinVar:

NM_003072.5(SMARCA4):c.3850G>A (p.Asp1284Asn)

Gene: SMARCA4 (SWI/SNF related BAF chromatin remodeling complex subunit ATPase 4; plus strand). Cytogenetic location: 19p13.2.
Variant type: single nucleotide variant.
Coding change: c.3850G>A on transcript NM_003072.5 (MANE Select); coding-DNA position 3850, G replaced by A.
Protein change: p.Asp1284Asn; replaces aspartic acid 1284 with asparagine.
Molecular consequence: missense variant. On other transcripts: intron variant (5).
Genome position (GRCh38, 1-based): chr19:11,033,842, G>A. VCF-style: chr19-11033842-G-A. GRCh37 (hg19) VCF-style: chr19-11144518-G-A.
Other names: c.3850G>A, p.Asp1284Asn (NM_001128844.3, NM_001128849.3); c.3775-281G>A (NM_001128847.4, NM_001374457.1, NM_001128845.2 and 2 more transcripts); short protein forms D1284N.
Identifiers: ClinVar variation 824300 (VCV000824300.18), dbSNP rs765989895, ClinGen allele CA9204531.
Genomic context (GRCh38, chr19:11,033,842, plus strand): 5'-ACGGGCAGCGGCAGTGCCAGCTTCGCCCACACTGCCCCTCCGCCAGCGGGCGTCAACCCC[G>A]ACTTGGAGGAGCCACCTCTAAAGGTGAGAGGGGTAGTTCAGTCTCCATGCCCATTCAATC-3'
Protein context (NP_003063.2, residues 1274-1294): TAPPPAGVNP[Asp1284Asn]LEEPPLKEED

ClinVar aggregate classification (germline): Uncertain significance. Review status: criteria provided, multiple submitters, no conflicts (2 of 4 stars). 4 submissions from 4 submitters: Uncertain significance (4). Last evaluated 2025-06-22.

Conditions:
Hereditary cancer-predisposing syndrome. Also called: Neoplastic Syndromes, Hereditary; Tumor predisposition; Hereditary neoplastic syndrome; Hereditary Cancer Syndrome. Identifiers: Orphanet 140162, MedGen C0027672, MeSH D009386, MONDO:0015356.
Rhabdoid tumor predisposition syndrome 2 (RTPS2). Identifiers: Orphanet 231108, Orphanet 69077, MedGen C2750074, MONDO:0013224, OMIM 613325.
Intellectual disability, autosomal dominant 16 (CSS4). Also called: COFFIN-SIRIS SYNDROME 4. Identifiers: Orphanet 1465, MedGen C3553249, MONDO:0013821, OMIM 614609.

Allele frequency attached by ClinVar (database versions not stated): gnomAD exomes below 0.00001 and 0.00001; ExAC 0.00001; TOPMed 0.00001; gnomAD 0.00003.
gnomAD v4.1: 4 of 779,440 alleles (0.00051%); highest among the groups gnomAD compares: East Asian, 0.0049%; no homozygotes.

Submissions (4):

Labcorp Genetics (formerly Invitae), Labcorp
Classification: Uncertain significance for Rhabdoid tumor predisposition syndrome 2. Last evaluated: 2025-06-22. Review status: criteria provided, single submitter. Criteria: Invitae Variant Classification Sherloc (09022015). Collection method: clinical testing. Allele origin: germline.
Comment: This sequence change replaces aspartic acid, which is acidic and polar, with asparagine, which is neutral and polar, at codon 1284 of the SMARCA4 protein (p.Asp1284Asn). This variant is present in population databases (rs765989895, gnomAD 0.006%). This missense change has been observed in individual(s) with Coffin-Siris syndrome and/or neurodevelopmental disorder (PMID: 33057194, 34906459, 37500730). ClinVar contains an entry for this variant (Variation ID: 824300). An algorithm developed to predict the effect of missense changes on protein structure and function (PolyPhen-2) suggests that this variant is likely to be tolerated. In summary, the available evidence is currently insufficient to determine the role of this variant in disease. Therefore, it has been classified as a Variant of Uncertain Significance.

GeneDx
Classification: Uncertain significance. Last evaluated: 2025-05-18. Review status: criteria provided, single submitter. Criteria: GeneDx Variant Classification Process June 2021. Collection method: clinical testing. Allele origin: germline. Affected: yes.
Comment: In silico analysis suggests that this missense variant does not alter protein structure/function; This variant is associated with the following publications: (PMID: 23872584, 33057194, 34906459, 35982159, 37500730)

Ambry Genetics
Classification: Uncertain significance for Hereditary cancer-predisposing syndrome. Last evaluated: 2025-02-14. Review status: criteria provided, single submitter. Criteria: Ambry Variant Classification Scheme 2023. Collection method: clinical testing. Allele origin: germline.
Comment: The p.D1284N variant (also known as c.3850G>A), located in coding exon 26 of the SMARCA4 gene, results from a G to A substitution at nucleotide position 3850. The aspartic acid at codon 1284 is replaced by asparagine, an amino acid with highly similar properties. This amino acid position is highly conserved in available vertebrate species. In addition, this alteration is predicted to be tolerated by in silico analysis. This variant has been detected in multiple individuals with no reported features of Coffin-Siris syndrome (Ambry internal data). Based on the supporting evidence, the association of this alteration with rhabdoid tumor predisposition syndrome is unknown; however, the association of this alteration with Coffin-Siris syndrome is unlikely.

Genome-Nilou Lab
Classification: Uncertain significance for Intellectual disability, autosomal dominant 16. Last evaluated: 2021-07-15. Review status: criteria provided, single submitter. Criteria: ACMG Guidelines, 2015. Collection method: clinical testing. Allele origin: germline. Affected: no.

Literature cited by the submitters: PubMed 33057194 (cited by Labcorp Genetics (formerly Invitae), Labcorp); PubMed 34906459 (cited by Labcorp Genetics (formerly Invitae), Labcorp); PubMed 37500730 (cited by Labcorp Genetics (formerly Invitae), Labcorp).